The following is an entry in ClinVar:

NM_000059.4(BRCA2):c.7580T>A (p.Val2527Glu)

Gene: BRCA2 (BRCA2 DNA repair associated; plus strand). Cytogenetic location: 13q13.1.
Variant type: single nucleotide variant.
Coding change: c.7580T>A on transcript NM_000059.4 (MANE Select); coding-DNA position 7580, T replaced by A.
Protein change: p.Val2527Glu; replaces valine 2527 with glutamic acid.
Molecular consequence: missense variant. On other transcripts: non-coding transcript variant (1).
Genome position (GRCh38, 1-based): chr13:32,356,572, T>A. VCF-style: chr13-32356572-T-A. GRCh37 (hg19) VCF-style: chr13-32930709-T-A.
Other names: c.7484T>A, p.Val2495Glu (NM_001406719.1); c.7580T>A, p.Val2527Glu (NM_001406720.1, NM_001432077.1); c.2648T>A, p.Val883Glu (NM_001406721.1); c.1163T>A, p.Val388Glu (NM_001406722.1); short protein forms V2495E, V2527E, V388E, V883E.
Identifiers: ClinVar variation 4853216 (VCV004853216.1).

ClinVar aggregate classification (germline): Uncertain significance (1 of 4 stars; one submission).

Submission:

Women's Health and Genetics/Laboratory Corporation of America, LabCorp
Classification: Uncertain significance. Last evaluated: 2026-05-12. Review status: criteria provided, single submitter. Criteria: LabCorp Variant Classification Summary - May 2015. Collection method: clinical testing. Allele origin: germline.
Comment: Variant summary: BRCA2 c.7580T>A (p.Val2527Glu) results in a non-conservative amino acid change in the encoded protein sequence. Algorithms developed to predict the effect of missense changes on protein structure and function all suggest that this variant is likely to be disruptive. The frequency data for this variant in gnomAD is considered unreliable, as metrics indicate poor data quality at this position. To our knowledge, no occurrence of c.7580T>A in individuals affected with BRCA2-related conditions and no experimental evidence demonstrating its impact on protein function have been reported. No submitters have cited clinical-significance assessments for this variant to ClinVar. Based on the evidence outlined above, the variant was classified as uncertain significance.